The following is an entry in ClinVar:

ClinVar aggregate classification (germline): Uncertain significance (1 of 4 stars; one submission).

Submission:

Ambry Genetics
Classification: Uncertain significance. Last evaluated: 2025-11-11. Review status: criteria provided, single submitter. Criteria: Ambry Variant Classification Scheme 2023. Collection method: clinical testing. Allele origin: germline.
Comment: The p.R99G variant (also known as c.295C>G), located in coding exon 1 of the GALNT12 gene, results from a C to G substitution at nucleotide position 295. The arginine at codon 99 is replaced by glycine, an amino acid with dissimilar properties. This amino acid position is conserved. In addition, this alteration is predicted to be tolerated by in silico analysis. Since supporting evidence is limited at this time, the clinical significance of this alteration remains unclear.

NM_024642.5(GALNT12):c.295C>G (p.Arg99Gly)

Gene: GALNT12 (polypeptide N-acetylgalactosaminyltransferase 12; plus strand). Cytogenetic location: 9q22.33.
Variant type: single nucleotide variant.
Coding change: c.295C>G on transcript NM_024642.5 (MANE Select); coding-DNA position 295, C replaced by G.
Protein change: p.Arg99Gly; replaces arginine 99 with glycine.
Molecular consequence: missense variant.
Genome position (GRCh38, 1-based): chr9:98,807,993, C>G. VCF-style: chr9-98807993-C-G. GRCh37 (hg19) VCF-style: chr9-101570275-C-G.
Other names: short protein forms R99G.
Identifiers: ClinVar variation 1798147 (VCV001798147.3), dbSNP rs1196452591, ClinGen allele CA374222829.